The following is an entry in ClinVar:

ClinVar aggregate classification (germline): Uncertain significance (1 of 4 stars; one submission).

Conditions:
Hereditary cancer-predisposing syndrome. Also called: Neoplastic Syndromes, Hereditary; Tumor predisposition; Hereditary Cancer Syndrome; Hereditary neoplastic syndrome. Identifiers: Orphanet 140162, MedGen C0027672, MeSH D009386, MONDO:0015356.

Submission:

Ambry Genetics
Classification: Uncertain significance for Hereditary cancer-predisposing syndrome. Last evaluated: 2026-07-06. Review status: criteria provided, single submitter. Criteria: Ambry Variant Classification Scheme 2023. Collection method: clinical testing. Allele origin: germline.
Comment: The p.C61R variant (also known as c.181T>C), located in coding exon 2 of the RB1 gene, results from a T to C substitution at nucleotide position 181. The cysteine at codon 61 is replaced by arginine, an amino acid with highly dissimilar properties. This amino acid position is highly conserved in available vertebrate species. In addition, this alteration is predicted to be deleterious by in silico analysis. Based on the available evidence, the clinical significance of this variant remains unclear.

NM_000321.3(RB1):c.181T>C (p.Cys61Arg)

Gene: RB1 (RB transcriptional corepressor 1; plus strand). Cytogenetic location: 13q14.2.
Variant type: single nucleotide variant.
Coding change: c.181T>C on transcript NM_000321.3 (MANE Select); coding-DNA position 181, T replaced by C.
Protein change: p.Cys61Arg; replaces cysteine 61 with arginine.
Molecular consequence: missense variant.
Genome position (GRCh38, 1-based): chr13:48,307,323, T>C. VCF-style: chr13-48307323-T-C. GRCh37 (hg19) VCF-style: chr13-48881459-T-C.
Other names: c.181T>C, p.Cys61Arg (NM_001407165.1, NM_001407166.1, NM_001407167.1); short protein forms C61R.
Identifiers: ClinVar variation 4824144 (VCV004824144.2).